The following is an entry in ClinVar:

NM_003221.4(TFAP2B):c.1333_1334del (p.Glu445fs)

Gene: TFAP2B (transcription factor AP-2 beta; plus strand). Cytogenetic location: 6p12.3.
Variant type: Deletion.
Coding change: c.1333_1334del on transcript NM_003221.4 (MANE Select); coding-DNA positions 1333 to 1334, 2 bases deleted (GA; older notation c.1333_1334delGA).
Protein change: p.Glu445fs; shifts the reading frame from glutamic acid 445.
Molecular consequence: frameshift variant.
Genome position (GRCh38, 1-based): chr6:50,843,342-50,843,343, GA deleted. VCF-style (leftmost placement, unchanged base first): chr6-50843341-GGA-G. GRCh37 (hg19) VCF-style: chr6-50811054-GGA-G.
Other names: short protein forms E445fs.
Identifiers: ClinVar variation 2662549 (VCV002662549.1), dbSNP rs2533160726, ClinGen allele CA2695198844.

ClinVar aggregate classification (germline): Uncertain significance (1 of 4 stars; one submission).

Submission:

GeneDx
Classification: Uncertain significance. Last evaluated: 2023-04-11. Review status: criteria provided, single submitter. Criteria: GeneDx Variant Classification Process June 2021. Collection method: clinical testing. Allele origin: germline. Affected: yes.
Comment: Not observed at significant frequency in large population cohorts (gnomAD); Frameshift variant predicted to result in protein truncation as the last 16 amino acids are replaced with 3 different amino acids, although loss-of-function variants have not been reported downstream of this position in the protein; Has not been previously published as pathogenic or benign to our knowledge